The following is an entry in ClinVar:

ClinVar aggregate classification (germline): Uncertain significance (1 of 4 stars; one submission).

Conditions:
Beckwith-Wiedemann syndrome (BWS). Also called: EMG SYNDROME; Exomphalos macroglossia gigantism syndrome. Identifiers: Orphanet 116, MedGen C0004903, MONDO:0007534, OMIM 130650.

Submission:

Labcorp Genetics (formerly Invitae), Labcorp
Classification: Uncertain significance for Beckwith-Wiedemann syndrome. Last evaluated: 2021-10-28. Review status: criteria provided, single submitter. Criteria: Invitae Variant Classification Sherloc (09022015). Collection method: clinical testing. Allele origin: germline.
Comment: This sequence change replaces alanine, which is neutral and non-polar, with valine, which is neutral and non-polar, at codon 29 of the CDKN1C protein (p.Ala29Val). In summary, the available evidence is currently insufficient to determine the role of this variant in disease. Therefore, it has been classified as a Variant of Uncertain Significance. Algorithms developed to predict the effect of missense changes on protein structure and function (SIFT, PolyPhen-2, Align-GVGD) all suggest that this variant is likely to be tolerated. This variant has not been reported in the literature in individuals affected with CDKN1C-related conditions. The frequency data for this variant in the population databases is considered unreliable, as metrics indicate poor data quality at this position in the gnomAD database.

NM_001122630.2(CDKN1C):c.53C>T (p.Ala18Val)

Gene: CDKN1C (cyclin dependent kinase inhibitor 1C; minus strand). Cytogenetic location: 11p15.4.
Variant type: single nucleotide variant.
Coding change: c.53C>T on transcript NM_001122630.2 (MANE Select); coding-DNA position 53, C replaced by T.
Protein change: p.Ala18Val; replaces alanine 18 with valine.
Molecular consequence: missense variant.
Genome position (GRCh38, 1-based): chr11:2,885,404, G>A on the plus strand (C>T on the coding strand, the complement: CDKN1C is on the minus strand). VCF-style: chr11-2885404-G-A. GRCh37 (hg19) VCF-style: chr11-2906634-G-A.
Other names: c.86C>T, p.Ala29Val (NM_000076.2, NM_001362474.2); c.53C>T, p.Ala18Val (NM_001122631.2, NM_001362475.2); short protein forms A29V, A18V.
Identifiers: ClinVar variation 1357116 (VCV001357116.6), dbSNP rs1319614382, ClinGen allele CA379147830.